The following is an entry in ClinVar:

ClinVar aggregate classification (germline): Uncertain significance. Review status: criteria provided, multiple submitters, no conflicts (2 of 4 stars). 2 submissions from 2 submitters: Uncertain significance (2). Last evaluated 2022-09-07.

Conditions:
Deficiency of aromatic-L-amino-acid decarboxylase. Also called: AADC DEFICIENCY; DDC DEFICIENCY; DOPA DECARBOXYLASE DEFICIENCY; Aromatic amino acid decarboxylase deficiency; Aromatic L-Amino Acid Decarboxylase Deficiency. Identifiers: Orphanet 35708, MedGen C1291564, MONDO:0012084, OMIM 608643.

Allele frequency attached by ClinVar (database versions not stated): TOPMed below 0.00001; gnomAD 0.00001; gnomAD exomes 0.00001 and 0.00002; ExAC 0.00002.
gnomAD v4.1: 4 of 1,614,104 alleles (0.00025%); highest among the groups gnomAD compares: Admixed American, 0.0067%; no homozygotes.

Submissions (2):

Labcorp Genetics (formerly Invitae), Labcorp
Classification: Uncertain significance for Deficiency of aromatic-L-amino-acid decarboxylase. Last evaluated: 2022-09-07. Review status: criteria provided, single submitter. Criteria: Invitae Variant Classification Sherloc (09022015). Collection method: clinical testing. Allele origin: germline.
Comment: This sequence change replaces valine, which is neutral and non-polar, with alanine, which is neutral and non-polar, at codon 436 of the DDC protein (p.Val436Ala). This variant is present in population databases (rs753862164, gnomAD 0.01%). This variant has not been reported in the literature in individuals affected with DDC-related conditions. ClinVar contains an entry for this variant (Variation ID: 911182). Algorithms developed to predict the effect of missense changes on protein structure and function (SIFT, PolyPhen-2, Align-GVGD) all suggest that this variant is likely to be disruptive. In summary, the available evidence is currently insufficient to determine the role of this variant in disease. Therefore, it has been classified as a Variant of Uncertain Significance.

Illumina Laboratory Services, Illumina
Classification: Uncertain significance for Deficiency of aromatic-L-amino-acid decarboxylase. Last evaluated: 2018-01-12. Review status: criteria provided, single submitter. Criteria: ICSL Variant Classification Criteria 13 December 2019. Collection method: clinical testing. Allele origin: germline.

NM_001082971.2(DDC):c.1307T>C (p.Val436Ala)

Gene: DDC (dopa decarboxylase; minus strand). Cytogenetic location: 7p12.2.
Variant type: single nucleotide variant.
Coding change: c.1307T>C on transcript NM_001082971.2 (MANE Select); coding-DNA position 1307, T replaced by C.
Protein change: p.Val436Ala; replaces valine 436 with alanine.
Molecular consequence: missense variant.
Genome position (GRCh38, 1-based): chr7:50,463,367, A>G on the plus strand (T>C on the coding strand, the complement: DDC is on the minus strand). VCF-style: chr7-50463367-A-G. GRCh37 (hg19) VCF-style: chr7-50531065-A-G.
Other names: c.1307T>C, p.Val436Ala (NM_000790.4); c.1193T>C, p.Val398Ala (NM_001242886.2); c.1163T>C, p.Val388Ala (NM_001242887.2); c.1073T>C, p.Val358Ala (NM_001242888.2); c.1028T>C, p.Val343Ala (NM_001242889.2); short protein forms V343A, V358A, V398A, V388A, V436A.
Identifiers: ClinVar variation 911182 (VCV000911182.8), dbSNP rs753862164, ClinGen allele CA4261994.
Genomic context (GRCh38, chr7:50,463,367, plus strand): 5'-TCCACCGTGCGAGAACAGATGGCAAAGCGCAGGACAAACTTGTCCCTGAGGTGACATGGA[A>G]CCAAGTGGATTTTTTTGGCACTGTTTATTCTTTGCAGAAGAGCTTCATTCACTTTGTTGG-3'
Protein context (NP_001076440.2, residues 426-446): RINSAKKIHL[Val436Ala]PCHLRDKFVL